The following is an entry in ClinVar:

NM_014319.5(LEMD3):c.110C>G (p.Pro37Arg)

Gene: LEMD3 (LEM domain containing 3; plus strand). Cytogenetic location: 12q14.3.
Variant type: single nucleotide variant.
Coding change: c.110C>G on transcript NM_014319.5 (MANE Select); coding-DNA position 110, C replaced by G.
Protein change: p.Pro37Arg; replaces proline 37 with arginine.
Molecular consequence: missense variant.
Genome position (GRCh38, 1-based): chr12:65,169,706, C>G. VCF-style: chr12-65169706-C-G. GRCh37 (hg19) VCF-style: chr12-65563486-C-G.
Other names: c.110C>G, p.Pro37Arg (NM_001167614.2); short protein forms P37R.
Identifiers: ClinVar variation 3010064 (VCV003010064.3), dbSNP rs766098043, ClinGen allele CA6670675.

ClinVar aggregate classification (germline): Uncertain significance (1 of 4 stars; one submission).

Allele frequency attached by ClinVar (database versions not stated): ExAC 0.00003.

Submission:

Labcorp Genetics (formerly Invitae), Labcorp
Classification: Uncertain significance. Last evaluated: 2023-10-20. Review status: criteria provided, single submitter. Criteria: Invitae Variant Classification Sherloc (09022015). Collection method: clinical testing. Allele origin: germline.
Comment: This sequence change replaces proline, which is neutral and non-polar, with arginine, which is basic and polar, at codon 37 of the LEMD3 protein (p.Pro37Arg). This variant is present in population databases (rs766098043, gnomAD 0.008%). This variant has not been reported in the literature in individuals affected with LEMD3-related conditions. Advanced modeling of protein sequence and biophysical properties (such as structural, functional, and spatial information, amino acid conservation, physicochemical variation, residue mobility, and thermodynamic stability) performed at Invitae indicates that this missense variant is expected to disrupt LEMD3 protein function. In summary, the available evidence is currently insufficient to determine the role of this variant in disease. Therefore, it has been classified as a Variant of Uncertain Significance.